The following is an entry in ClinVar:

NM_003480.4(MFAP5):c.335+20C>T

Gene: MFAP5 (microfibril associated protein 5; minus strand). Cytogenetic location: 12p13.31.
Variant type: single nucleotide variant.
Coding change: c.335+20C>T on transcript NM_003480.4 (MANE Select); 20 bases into the intron after coding-DNA position 335, C replaced by T.
Molecular consequence: intron variant.
Genome position (GRCh38, 1-based): chr12:8,650,482, G>A on the plus strand (C>T on the coding strand, the complement: MFAP5 is on the minus strand). VCF-style: chr12-8650482-G-A. GRCh37 (hg19) VCF-style: chr12-8803078-G-A.
Other names: c.269+20C>T (NM_001297710.2); c.260+20C>T (NM_001297711.2); c.218-2279C>T (NM_001297712.2); c.305+20C>T (NM_001297709.2).
Identifiers: ClinVar variation 511715 (VCV000511715.8), dbSNP rs981430295, ClinGen allele CA232305928.
Genomic context (GRCh38, chr12:8,650,482, plus strand): 5'-TAGTGGGTGCTCATTAAATAGTTATCAACACAGAAACACTACCATGGAAGATGCTTTTTG[G>A]GCATTCTGGGATCCCTTACCTGGTGAAGCATAACTGATGAATGCATTGTTTAACCGGCCG-3'

ClinVar aggregate classification (germline): Likely benign. Review status: criteria provided, multiple submitters, no conflicts (2 of 4 stars). 2 submissions from 2 submitters: Likely benign (2). Last evaluated 2022-10-20.

Allele frequency attached by ClinVar (database versions not stated): gnomAD 0.00001; TOPMed 0.00001; gnomAD exomes 0.00002.
gnomAD v4.1: 26 of 1,605,478 alleles (0.0016%); highest among the groups gnomAD compares: Non-Finnish European, 0.0021%; no homozygotes.

Submissions (2):

Labcorp Genetics (formerly Invitae), Labcorp
Classification: Likely benign. Last evaluated: 2022-10-20. Review status: criteria provided, single submitter. Criteria: Invitae Variant Classification Sherloc (09022015). Collection method: clinical testing. Allele origin: germline.

GeneDx
Classification: Likely benign. Last evaluated: 2017-08-25. Review status: criteria provided, single submitter. Criteria: GeneDx Variant Classification (06012015). Collection method: clinical testing. Allele origin: germline. Affected: yes.
Comment: This variant is considered likely benign or benign based on one or more of the following criteria: it is a conservative change, it occurs at a poorly conserved position in the protein, it is predicted to be benign by multiple in silico algorithms, and/or has population frequency not consistent with disease.